The following is an entry in ClinVar:

ClinVar aggregate classification (germline): Uncertain significance (1 of 4 stars; one submission).

Conditions:
Inborn genetic diseases. Identifiers: MedGen C0950123, MeSH D030342.

Submission:

Ambry Genetics
Classification: Uncertain significance for Inborn genetic diseases. Last evaluated: 2026-03-11. Review status: criteria provided, single submitter. Criteria: Ambry Variant Classification Scheme 2023. Collection method: clinical testing. Allele origin: germline.
Comment: The p.K456T variant (also known as c.1367A>C), located in coding exon 12 of the KDM1A gene, results from an A to C substitution at nucleotide position 1367. The lysine at codon 456 is replaced by threonine, an amino acid with similar properties. This amino acid position is conserved. In addition, this alteration is predicted to be tolerated by in silico analysis. Based on the available evidence, the clinical significance of this variant remains unclear.

NM_001009999.3(KDM1A):c.1367A>C (p.Lys456Thr)

Gene: KDM1A (lysine demethylase 1A; plus strand). Cytogenetic location: 1p36.12.
Variant type: single nucleotide variant.
Coding change: c.1367A>C on transcript NM_001009999.3 (MANE Select); coding-DNA position 1367, A replaced by C.
Protein change: p.Lys456Thr; replaces lysine 456 with threonine.
Molecular consequence: missense variant.
Genome position (GRCh38, 1-based): chr1:23,069,105, A>C. VCF-style: chr1-23069105-A-C. GRCh37 (hg19) VCF-style: chr1-23395598-A-C.
Other names: c.1295A>C, p.Lys432Thr (NM_001363654.2, NM_001410763.1, NM_015013.4); c.1355A>C, p.Lys452Thr (NM_001410762.1); short protein forms K432T, K456T, K452T.
Identifiers: ClinVar variation 4826122 (VCV004826122.1).